The following is an entry in ClinVar:

NM_001009944.3(PKD1):c.7333_7359dup (p.Arg2453_Ser2454insThrPheThrLeuThrValLeuGlyArg)

Gene: PKD1 (polycystin 1, transient receptor potential channel interacting; minus strand). Cytogenetic location: 16p13.3.
Variant type: Duplication.
Coding change: c.7333_7359dup on transcript NM_001009944.3 (MANE Select); coding-DNA positions 7333 to 7359, 27 bases duplicated (ACCTTCACGCTCACGGTGCTGGGCCGC).
Protein change: p.Arg2453_Ser2454insThrPheThrLeuThrValLeuGlyArg.
Molecular consequence: inframe insertion.
Genome position (GRCh38, 1-based): chr16:2,106,528-2,106,554, GCGGCCCAGCACCGTGAGCGTGAAGGT duplicated on the plus strand (ACCTTCACGCTCACGGTGCTGGGCCGC on the coding strand, the reverse complement: PKD1 is on the minus strand); duplicating any 27 consecutive bases within chr16:2,106,528-2,106,555 gives the same sequence; the c. name uses the placement nearest the transcript's 3' end. VCF-style (leftmost placement, unchanged base first): chr16-2106527-A-AGCGGCCCAGCACCGTGAGCGTGAAGGT. GRCh37 (hg19) VCF-style: chr16-2156528-A-AGCGGCCCAGCACCGTGAGCGTGAAGGT.
Other names: c.7333_7359dup, p.Arg2453_Ser2454insThrPheThrLeuThrValLeuGlyArg (NM_000296.4).
Identifiers: ClinVar variation 3381914 (VCV003381914.2).
Genomic context (GRCh38, chr16:2,106,527, plus strand): 5'-CCCCCAGCGGCGGGCGGTTGGGGGACAGGCGGATGGAGGCGCAGCCCTCCTCCTCGCCAG[A>AGCGGCCCAGCACCGTGAGCGTGAAGGT]GCGGCCCAGCACCGTGAGCGTGAAGGTGTATCCCTCGCCGTCCCGCAGCACGCCCCGCCG-3'

ClinVar aggregate classification (germline): Uncertain significance (1 of 4 stars; one submission).

Conditions:
Polycystic kidney disease, adult type (PKD1). Also called: POLYCYSTIC KIDNEY DISEASE, ADULT, TYPE I; Polycystic Kidney Disease 1, Autosomal Dominant; Polycystic kidney disease 1; Polycystic kidney disease 1, severe; Polycystic Kidney, Autosomal Dominant; POLYCYSTIC KIDNEY DISEASE 1 WITH OR WITHOUT POLYCYSTIC LIVER DISEASE. Identifiers: MedGen C3149841, MONDO:0008263, OMIM 173900.

Submission:

Juno Genomics, Hangzhou Juno Genomics, Inc
Classification: Uncertain significance for Polycystic kidney disease, adult type. Review status: criteria provided, single submitter. Criteria: ACMG Guidelines, 2015. Collection method: clinical testing. Allele origin: germline. Affected: yes.
Comment: Absent from controls (or at extremely low frequency if recessive) in Genome Aggregation Database, Exome Sequencing Project, 1000 Genomes Project, or Exome Aggregation Consortium.;Protein length changes due to in-frame deletions/insertions in a non-repeat region or stop-loss variants.;Patient's phenotype or family history is highly specific for a disease with a single genetic etiology.